The following is an entry in ClinVar:

ClinVar aggregate classification (germline): Uncertain significance (1 of 4 stars; one submission).

Conditions:
Multiple endocrine neoplasia, type 2 (MEN2). Identifiers: Orphanet 653, MedGen C4048306, MONDO:0019003. Disease mechanism: gain of function.

gnomAD v4.1: 2 of 1,612,022 alleles (0.00012%); highest among the groups gnomAD compares: Non-Finnish European, 0.00017%; no homozygotes.

Submission:

Labcorp Genetics (formerly Invitae), Labcorp
Classification: Uncertain significance for Multiple endocrine neoplasia, type 2. Last evaluated: 2024-10-15. Review status: criteria provided, single submitter. Criteria: Invitae Variant Classification Sherloc (09022015). Collection method: clinical testing. Allele origin: germline.
Comment: This sequence change falls in intron 6 of the RET gene. It does not directly change the encoded amino acid sequence of the RET protein. It affects a nucleotide within the consensus splice site. This variant is not present in population databases (gnomAD no frequency). This variant has not been reported in the literature in individuals affected with RET-related conditions. Variants that disrupt the consensus splice site are a relatively common cause of aberrant splicing (PMID: 17576681, 9536098). Algorithms developed to predict the effect of sequence changes on RNA splicing suggest that this variant is not likely to affect RNA splicing. In summary, the available evidence is currently insufficient to determine the role of this variant in disease. Therefore, it has been classified as a Variant of Uncertain Significance.

Literature cited by the submitters: PubMed 17576681; PubMed 9536098.

NM_020975.6(RET):c.1263+6C>T

Gene: RET (ret proto-oncogene; plus strand). Cytogenetic location: 10q11.21.
Variant type: single nucleotide variant.
Coding change: c.1263+6C>T on transcript NM_020975.6 (MANE Select); 6 bases into the intron after coding-DNA position 1263, C replaced by T.
Molecular consequence: intron variant.
Genome position (GRCh38, 1-based): chr10:43,109,236, C>T. VCF-style: chr10-43109236-C-T. GRCh37 (hg19) VCF-style: chr10-43604684-C-T.
Other names: c.1134+6C>T (NM_001406764.1, NM_001406762.1, NM_001406761.1 and 1 more transcripts); c.739-1971C>T (NM_001406774.1); c.497-2863C>T (NM_001406786.1, NM_001406783.1); c.975+6C>T (NM_001406770.1, NM_001406766.1, NM_001406767.1); c.537+6C>T (NM_001406778.1, NM_001406775.1, NM_001406776.1 and 1 more transcripts); c.338-2863C>T (NM_001406790.1, NM_001406788.1, NM_001406789.1 and 1 more transcripts); c.273+6C>T (NM_001406784.1); c.74-2863C>T (NM_001406794.1, NM_001406792.1, NM_001406793.1); and 5 more.
Identifiers: ClinVar variation 3673045 (VCV003673045.2).